The following is an entry in ClinVar:

NM_001194.4(HCN2):c.790C>T (p.Arg264Cys)

Gene: HCN2 (hyperpolarization activated cyclic nucleotide gated potassium and sodium channel 2; plus strand). Cytogenetic location: 19p13.3.
Variant type: single nucleotide variant.
Coding change: c.790C>T on transcript NM_001194.4 (MANE Select); coding-DNA position 790, C replaced by T.
Protein change: p.Arg264Cys; replaces arginine 264 with cysteine.
Molecular consequence: missense variant.
Genome position (GRCh38, 1-based): chr19:603,701, C>T. VCF-style: chr19-603701-C-T. GRCh37 (hg19) VCF-style: chr19-603701-C-T.
Other names: short protein forms R264C.
Identifiers: ClinVar variation 2505990 (VCV002505990.2), dbSNP rs1173969754, ClinGen allele CA402875077.

ClinVar aggregate classification (germline): Uncertain significance. Review status: criteria provided, multiple submitters, no conflicts (2 of 4 stars). 2 submissions from 2 submitters: Uncertain significance (2). Last evaluated 2024-01-17.

Allele frequency attached by ClinVar (database versions not stated): gnomAD exomes below 0.00001; TOPMed below 0.00001; gnomAD 0.00001.
gnomAD v4.1: 5 of 1,612,676 alleles (0.00031%); highest among the groups gnomAD compares: Non-Finnish European, 0.00042%; no homozygotes.

Submissions (2):

Blueprint Genetics
Classification: Uncertain significance. Last evaluated: 2024-01-17. Review status: criteria provided, single submitter. Criteria: ACMG Guidelines, 2015. Collection method: clinical testing. Allele origin: germline.

GeneDx
Classification: Uncertain significance. Last evaluated: 2022-12-14. Review status: criteria provided, single submitter. Criteria: GeneDx Variant Classification Process June 2021. Collection method: clinical testing. Allele origin: germline. Affected: yes.
Comment: Not observed at significant frequency in large population cohorts (gnomAD); In silico analysis supports that this missense variant has a deleterious effect on protein structure/function; Has not been previously published as pathogenic or benign to our knowledge